The following is an entry in ClinVar:

ClinVar aggregate classification (germline): Uncertain significance. Review status: criteria provided, multiple submitters, no conflicts (2 of 4 stars). 2 submissions from 2 submitters: Uncertain significance (2). Last evaluated 2025-10-14.

Conditions:
Cardiovascular phenotype. Identifiers: MedGen CN230736.

Submissions (2):

Ambry Genetics
Classification: Uncertain significance for Cardiovascular phenotype. Last evaluated: 2025-10-14. Review status: criteria provided, single submitter. Criteria: Ambry Variant Classification Scheme 2023. Collection method: clinical testing. Allele origin: germline.
Comment: The p.S351P variant (also known as c.1051T>C), located in coding exon 8 of the TBX20 gene, results from a T to C substitution at nucleotide position 1051. The serine at codon 351 is replaced by proline, an amino acid with similar properties. This amino acid position is conserved. In addition, the in silico prediction for this alteration is inconclusive. Based on the available evidence, the clinical significance of this variant remains unclear.

Labcorp Genetics (formerly Invitae), Labcorp
Classification: Uncertain significance. Last evaluated: 2025-07-27. Review status: criteria provided, single submitter. Criteria: Invitae Variant Classification Sherloc (09022015). Collection method: clinical testing. Allele origin: germline.
Comment: This sequence change replaces serine, which is neutral and polar, with proline, which is neutral and non-polar, at codon 351 of the TBX20 protein (p.Ser351Pro). This variant is not present in population databases (gnomAD no frequency). This variant has not been reported in the literature in individuals affected with TBX20-related conditions. Invitae Evidence Modeling of protein sequence and biophysical properties (such as structural, functional, and spatial information, amino acid conservation, physicochemical variation, residue mobility, and thermodynamic stability) indicates that this missense variant is not expected to disrupt TBX20 protein function with a negative predictive value of 80%. In summary, the available evidence is currently insufficient to determine the role of this variant in disease. Therefore, it has been classified as a Variant of Uncertain Significance.

NM_001077653.2(TBX20):c.1051T>C (p.Ser351Pro)

Gene: TBX20 (T-box transcription factor 20; minus strand). Cytogenetic location: 7p14.2.
Variant type: single nucleotide variant.
Coding change: c.1051T>C on transcript NM_001077653.2 (MANE Select); coding-DNA position 1051, T replaced by C.
Protein change: p.Ser351Pro; replaces serine 351 with proline.
Molecular consequence: missense variant.
Genome position (GRCh38, 1-based): chr7:35,202,723, A>G on the plus strand (T>C on the coding strand, the complement: TBX20 is on the minus strand). VCF-style: chr7-35202723-A-G. GRCh37 (hg19) VCF-style: chr7-35242335-A-G.
Other names: short protein forms S351P.
Identifiers: ClinVar variation 4615071 (VCV004615071.2).